The following is an entry in ClinVar:

NM_000092.5(COL4A4):c.3262G>A (p.Gly1088Ser)

Gene: COL4A4 (collagen type IV alpha 4 chain; minus strand). Cytogenetic location: 2q36.3.
Variant type: single nucleotide variant.
Coding change: c.3262G>A on transcript NM_000092.5 (MANE Select); coding-DNA position 3262, G replaced by A.
Protein change: p.Gly1088Ser; replaces glycine 1088 with serine.
Molecular consequence: missense variant.
Genome position (GRCh38, 1-based): chr2:227,047,502, C>T on the plus strand (G>A on the coding strand, the complement: COL4A4 is on the minus strand). VCF-style: chr2-227047502-C-T. GRCh37 (hg19) VCF-style: chr2-227912218-C-T.
Other names: short protein forms G1088S.
Identifiers: ClinVar variation 3236210 (VCV003236210.1), dbSNP rs2473864723, ClinGen allele CA350838674.

ClinVar aggregate classification (germline): Likely pathogenic (1 of 4 stars; one submission).

Conditions:
Autosomal recessive Alport syndrome (ATS2). Also called: COL4A4 Alport Syndrome and Thin Basement Membrane Nephropathy; ALPORT SYNDROME 2, AUTOSOMAL RECESSIVE; Alport syndrome type 2; COL4A3-Related Nephropathy. Identifiers: Orphanet 63, Orphanet 88919, MedGen C4746745, MONDO:0008762, OMIM 203780.

Submission:

MVZ Medizinische Genetik Mainz
Classification: Likely pathogenic for Autosomal recessive Alport syndrome. Last evaluated: 2022-11-28. Review status: criteria provided, single submitter. Criteria: UK Practice Guidelines For Variant Classification V4 01 2020. Collection method: clinical testing. Allele origin: germline. Inheritance: Autosomal dominant inheritance. Affected: yes. Observed: 1 variant allele.
Comment: ACMG Criteria: PM1_STR, PM2_SUP, PP3, PP4 (ACMG Version 4)